The following is an entry in ClinVar:

NM_000444.6(PHEX):c.419C>T (p.Ser140Leu)

Gene: PHEX (phosphate regulating endopeptidase X-linked; plus strand). Cytogenetic location: Xp22.11.
Variant type: single nucleotide variant.
Coding change: c.419C>T on transcript NM_000444.6 (MANE Select); coding-DNA position 419, C replaced by T.
Protein change: p.Ser140Leu; replaces serine 140 with leucine.
Molecular consequence: missense variant.
Genome position (GRCh38, 1-based): chrX:22,076,457, C>T. VCF-style: chrX-22076457-C-T. GRCh37 (hg19) VCF-style: chrX-22094575-C-T.
Other names: c.419C>T, p.Ser140Leu (NM_001282754.2); short protein forms S140L.
Identifiers: ClinVar variation 1919559 (VCV001919559.5), dbSNP rs140678356, ClinGen allele CA10368031.
Genomic context (GRCh38, chrX:22,076,457, plus strand): 5'-AGAAATCAATCAGTAGAAGGCGGGACACCGAAGCCATACAGAAAGCCAAAATCCTTTATT[C>T]ATCCTGCATGAATGAGAGTGAGTGATGAAGAAAACTAAATAAAATATTTACCATCCCTAT-3'
Protein context (NP_000435.3, residues 130-150): EAIQKAKILY[Ser140Leu]SCMNEKAIEK

ClinVar aggregate classification (germline): Uncertain significance (1 of 4 stars; one submission).

Allele frequency attached by ClinVar (database versions not stated): ExAC 0.00002; gnomAD 0.00003; TOPMed 0.00004; ESP Exome Variant Server 0.00009.
gnomAD v4.1: 18 of 1,181,118 alleles (0.0015%); highest among the groups gnomAD compares: Non-Finnish European, 0.0017%; no homozygotes.

Submission:

Labcorp Genetics (formerly Invitae), Labcorp
Classification: Uncertain significance. Last evaluated: 2022-10-19. Review status: criteria provided, single submitter. Criteria: Invitae Variant Classification Sherloc (09022015). Collection method: clinical testing. Allele origin: germline.
Comment: This sequence change replaces serine, which is neutral and polar, with leucine, which is neutral and non-polar, at codon 140 of the PHEX protein (p.Ser140Leu). This variant is present in population databases (rs140678356, gnomAD 0.001%). This variant has not been reported in the literature in individuals affected with PHEX-related conditions. Algorithms developed to predict the effect of missense changes on protein structure and function (SIFT, PolyPhen-2, Align-GVGD) all suggest that this variant is likely to be tolerated. In summary, the available evidence is currently insufficient to determine the role of this variant in disease. Therefore, it has been classified as a Variant of Uncertain Significance.